The following is an entry in ClinVar:

ClinVar aggregate classification (germline): Uncertain significance (1 of 4 stars; one submission).

Submission:

GeneDx
Classification: Uncertain significance. Last evaluated: 2018-12-31. Review status: criteria provided, single submitter. Criteria: GeneDx Variant Classification Process June 2021. Collection method: clinical testing. Allele origin: germline. Affected: yes.
Comment: Not observed in large population cohorts (Lek et al., 2016); The majority of missense variants in this gene are considered pathogenic (Stenson et al., 2014); In silico analysis, which includes protein predictors and evolutionary conservation, supports that this variant does not alter protein structure/function; This substitution is predicted to be within the extracellular loop between the S1 and S2 transmembrane segments of the fourth homologous domain; Has not been previously published as pathogenic or benign to our knowledge

NM_001165963.4(SCN1A):c.4706T>C (p.Val1569Ala)

Genes: SCN1A (sodium voltage-gated channel alpha subunit 1; minus strand), LOC102724058 (uncharacterized LOC102724058; plus strand). Cytogenetic location: 2q24.3.
Variant type: single nucleotide variant.
Coding change: c.4706T>C on transcript NM_001165963.4 (MANE Select); coding-DNA position 4706, T replaced by C.
Protein change: p.Val1569Ala; replaces valine 1569 with alanine.
Molecular consequence: missense variant. On other transcripts: non-coding transcript variant (1).
Genome position (GRCh38, 1-based): chr2:165,994,292, A>G on the plus strand (T>C on the coding strand, the complement: SCN1A is on the minus strand). VCF-style: chr2-165994292-A-G. GRCh37 (hg19) VCF-style: chr2-166850802-A-G.
Other names: c.4670T>C, p.Val1557Ala (NM_001353955.2, NM_001353954.2); c.4622T>C, p.Val1541Ala (NM_001353957.2, NM_001353958.2, NM_001165964.3); c.4619T>C, p.Val1540Ala (NM_001353960.2); c.2264T>C, p.Val755Ala (NM_001353961.2); c.4673T>C, p.Val1558Ala (NM_006920.6, NM_001353949.2, NM_001353950.2 and 2 more transcripts); c.4706T>C, p.Val1569Ala (NM_001202435.3, NM_001353948.2); short protein forms V1540A, V1541A, V1557A, V1558A, V1569A, V755A.
Identifiers: ClinVar variation 1199485 (VCV001199485.3), dbSNP rs2105448762, ClinGen allele CA349071955.